The following is an entry in ClinVar:

ClinVar aggregate classification (germline): Uncertain significance (1 of 4 stars; one submission).

Conditions:
Gastrointestinal stromal tumor. Also called: Gastrointestinal stromal tumor, somatic; Gastrointestinal stroma tumor. Identifiers: Orphanet 44890, MedGen C0238198, MeSH D046152, MONDO:0011719, OMIM 606764, HP:0100723.

Allele frequency attached by ClinVar (database versions not stated): gnomAD exomes below 0.00001.
gnomAD v4.1: 2 of 1,614,090 alleles (0.00012%); highest among the groups gnomAD compares: Non-Finnish European, 0.000085%; no homozygotes.

Submission:

Labcorp Genetics (formerly Invitae), Labcorp
Classification: Uncertain significance for Gastrointestinal stromal tumor. Last evaluated: 2024-07-19. Review status: criteria provided, single submitter. Criteria: Invitae Variant Classification Sherloc (09022015). Collection method: clinical testing. Allele origin: germline.
Comment: This sequence change replaces valine, which is neutral and non-polar, with methionine, which is neutral and non-polar, at codon 850 of the PDGFRA protein (p.Val850Met). This variant is not present in population databases (gnomAD no frequency). This variant has not been reported in the literature in individuals affected with PDGFRA-related conditions. ClinVar contains an entry for this variant (Variation ID: 581933). Advanced modeling of protein sequence and biophysical properties (such as structural, functional, and spatial information, amino acid conservation, physicochemical variation, residue mobility, and thermodynamic stability) has been performed at Invitae for this missense variant, however the output from this modeling did not meet the statistical confidence thresholds required to predict the impact of this variant on PDGFRA protein function. In summary, the available evidence is currently insufficient to determine the role of this variant in disease. Therefore, it has been classified as a Variant of Uncertain Significance.

NM_006206.6(PDGFRA):c.2548G>A (p.Val850Met)

Gene: PDGFRA (platelet derived growth factor receptor alpha; plus strand). Cytogenetic location: 4q12.
Variant type: single nucleotide variant.
Coding change: c.2548G>A on transcript NM_006206.6 (MANE Select); coding-DNA position 2548, G replaced by A.
Protein change: p.Val850Met; replaces valine 850 with methionine.
Molecular consequence: missense variant.
Genome position (GRCh38, 1-based): chr4:54,285,949, G>A. VCF-style: chr4-54285949-G-A. GRCh37 (hg19) VCF-style: chr4-55152116-G-A.
Other names: c.2623G>A, p.Val875Met (NM_001347828.2); c.2548G>A, p.Val850Met (NM_001347829.2); c.2587G>A, p.Val863Met (NM_001347830.2); short protein forms V850M, V863M, V875M.
Identifiers: ClinVar variation 581933 (VCV000581933.11), dbSNP rs1560489674, ClinGen allele CA356895082.